The following is an entry in ClinVar:

ClinVar aggregate classification (germline): Uncertain significance (1 of 4 stars; one submission).

Conditions:
Inborn genetic diseases. Identifiers: MedGen C0950123, MeSH D030342.

Submission:

Ambry Genetics
Classification: Uncertain significance for Inborn genetic diseases. Last evaluated: 2025-09-12. Review status: criteria provided, single submitter. Criteria: Ambry Variant Classification Scheme 2023. Collection method: clinical testing. Allele origin: germline.
Comment: The p.Q121E variant (also known as c.361C>G), located in coding exon 3 of the RTEL1 gene, results from a C to G substitution at nucleotide position 361. The glutamine at codon 121 is replaced by glutamic acid, an amino acid with highly similar properties. This amino acid position is conserved. In addition, this alteration is predicted to be deleterious by in silico analysis. Based on the available evidence, the clinical significance of this variant remains unclear.

NM_001283009.2(RTEL1):c.361C>G (p.Gln121Glu)

Genes: RTEL1 (regulator of telomere elongation helicase 1; plus strand), RTEL1-TNFRSF6B (RTEL1-TNFRSF6B readthrough (NMD candidate); plus strand). Cytogenetic location: 20q13.33.
Variant type: single nucleotide variant.
Coding change: c.361C>G on transcript NM_001283009.2 (MANE Select); coding-DNA position 361, C replaced by G.
Protein change: p.Gln121Glu; replaces glutamine 121 with glutamic acid.
Molecular consequence: missense variant. On other transcripts: non-coding transcript variant (1), 5 prime UTR variant (1).
Genome position (GRCh38, 1-based): chr20:63,661,909, C>G. VCF-style: chr20-63661909-C-G. GRCh37 (hg19) VCF-style: chr20-62293262-C-G.
Other names: c.-309C>G (NM_001283010.1); c.361C>G, p.Gln121Glu (NM_016434.4, NM_032957.5); short protein forms Q121E.
Identifiers: ClinVar variation 4157735 (VCV004157735.1).